The following is an entry in ClinVar:

ClinVar aggregate classification (germline): Likely pathogenic (1 of 4 stars; one submission).

Submission:

GeneDx
Classification: Likely pathogenic. Last evaluated: 2026-03-18. Review status: criteria provided, single submitter. Criteria: GeneDx Variant Classification Process June 2021. Collection method: clinical testing. Allele origin: germline.
Comment: Has not been previously published as pathogenic or benign to our knowledge; In-frame deletion of 1 amino acid(s) in a non-repeat region; Not observed at significant frequency in large population cohorts (gnomAD); In silico analysis supports a deleterious effect on protein structure/function

NM_198076.6(COX20):c.296TAT[1] (p.Leu100del)

Gene: COX20 (cytochrome c oxidase assembly factor COX20; plus strand). Cytogenetic location: 1q44.
Variant type: Microsatellite.
Coding change: c.296TAT[1] on transcript NM_198076.6 (MANE Select); one copy of the 3-base unit TAT starting at c.296; the reference has two copies in a row; one copy, 3 bases deleted.
Protein change: p.Leu100del; deletes leucine 100.
Molecular consequence: inframe deletion. On other transcripts: 3 prime UTR variant (1), non-coding transcript variant (3).
Genome position (GRCh38, 1-based): chr1:244,843,118-244,843,120, TAT deleted; deleting any 3 consecutive bases within chr1:244,843,115-244,843,120 gives the same sequence; the position shown is the placement nearest the transcript's 3' end. VCF-style (leftmost placement, unchanged base first): chr1-244843114-ATAT-A. GRCh37 (hg19) VCF-style: chr1-245006416-ATAT-A.
Other names: c.296TAT[1], p.Leu100del (NM_001312871.1); c.332TAT[1], p.Leu112del (NM_001312872.1); c.161TAT[1], p.Leu55del (NM_001312873.1); c.*106TAT[1] (NM_001312874.1); short protein forms L100del, L112del, L55del.
Identifiers: ClinVar variation 3343177 (VCV003343177.2).